The following is an entry in ClinVar:

ClinVar aggregate classification (germline): Conflicting classifications of pathogenicity. Review status: criteria provided, conflicting classifications (1 of 4 stars). 3 submissions from 3 submitters: Uncertain significance (2); Likely benign (1). Last evaluated 2025-06-23.

Conditions:
Hereditary cancer-predisposing syndrome. Also called: Neoplastic Syndromes, Hereditary; Hereditary neoplastic syndrome; Tumor predisposition; Hereditary Cancer Syndrome. Identifiers: Orphanet 140162, MedGen C0027672, MeSH D009386, MONDO:0015356.
Ataxia-telangiectasia syndrome (AT). Also called: Ataxia telangiectasia (A-T); Cerebello-oculocutaneous telangiectasia; Immunodeficiency with ataxia telangiectasia; LOUIS-BAR SYNDROME; AT, COMPLEMENTATION GROUP C; ATAXIA-TELANGIECTASIA, FRESNO VARIANT. Identifiers: Orphanet 100, MedGen C0004135, MONDO:0008840, OMIM 208900.

Submissions (3):

Labcorp Genetics (formerly Invitae), Labcorp
Classification: Likely benign for Ataxia-telangiectasia syndrome. Last evaluated: 2025-06-23. Review status: criteria provided, single submitter. Criteria: Invitae Variant Classification Sherloc (09022015). Collection method: clinical testing. Allele origin: germline.

Color Diagnostics, LLC DBA Color Health
Classification: Uncertain significance for Hereditary cancer-predisposing syndrome. Last evaluated: 2025-02-19. Review status: criteria provided, single submitter. Criteria: ACMG Guidelines, 2015. Collection method: clinical testing. Allele origin: germline.
Comment: This variant causes an A to C nucleotide substitution at the -4 position of intron 53/62 of the ATM gene. To our knowledge, RNA studies have not been reported for this variant. This variant has not been reported in individuals affected with ATM-related disorders in the literature. This variant has not been identified in the general population by the Genome Aggregation Database (gnomAD). The available evidence is insufficient to determine the role of this variant in disease conclusively. Therefore, this variant is classified as a Variant of Uncertain Significance.

Ambry Genetics
Classification: Uncertain significance for Hereditary cancer-predisposing syndrome. Last evaluated: 2024-10-02. Review status: criteria provided, single submitter. Criteria: Ambry Variant Classification Scheme 2023. Collection method: clinical testing. Allele origin: germline.
Comment: The c.7928-4A>C intronic variant results from an A to C substitution 4 nucleotides upstream from coding exon 53 in the ATM gene. This nucleotide position is poorly conserved in available vertebrate species. In silico splice site analysis for this alteration is inconclusive. Based on the available evidence, the clinical significance of this variant remains unclear.

NM_000051.4(ATM):c.7928-4A>C

Genes: ATM (ATM serine/threonine kinase; plus strand), C11orf65 (chromosome 11 open reading frame 65; minus strand). Cytogenetic location: 11q22.3.
Variant type: single nucleotide variant.
Coding change: c.7928-4A>C on transcript NM_000051.4 (MANE Select); 4 bases into the intron before coding-DNA position 7928, A replaced by C.
Molecular consequence: intron variant.
Genome position (GRCh38, 1-based): chr11:108,333,882, A>C. VCF-style: chr11-108333882-A-C. GRCh37 (hg19) VCF-style: chr11-108204609-A-C.
Other names: c.7928-4A>C (NM_001351834.2); c.641-24811T>G (NM_001330368.2); c.*38+1338T>G (NM_001351110.2).
Identifiers: ClinVar variation 230552 (VCV000230552.17), dbSNP rs876658629, ClinGen allele CA10579275.